The following is an entry in ClinVar:

NM_000070.3(CAPN3):c.349A>G (p.Asn117Asp)

Gene: CAPN3 (calpain 3; plus strand). Cytogenetic location: 15q15.1.
Variant type: single nucleotide variant.
Coding change: c.349A>G on transcript NM_000070.3 (MANE Select); coding-DNA position 349, A replaced by G.
Protein change: p.Asn117Asp; replaces asparagine 117 with aspartic acid.
Molecular consequence: missense variant.
Genome position (GRCh38, 1-based): chr15:42,384,522, A>G. VCF-style: chr15-42384522-A-G. GRCh37 (hg19) VCF-style: chr15-42676720-A-G.
Other names: c.349A>G, p.Asn117Asp (NM_024344.2, NM_173087.2); c.88A>G, p.Asn30Asp (NM_212464.2, NM_212467.2); short protein forms N117D, N30D.
Identifiers: ClinVar variation 2688718 (VCV002688718.5), dbSNP rs1011699008, ClinGen allele CA391997385.

ClinVar aggregate classification (germline): Uncertain significance. Review status: criteria provided, multiple submitters, no conflicts (2 of 4 stars). 2 submissions from 2 submitters: Uncertain significance (2). Last evaluated 2023-11-27.

Conditions:
Autosomal recessive limb-girdle muscular dystrophy type 2A (LGMDR1). Also called: Calpainopathy; Muscular dystrophy, limb-girdle, type 2A, Amish; LEYDEN-MOEBIUS MUSCULAR DYSTROPHY; MUSCULAR DYSTROPHY, PELVOFEMORAL; Limb-girdle muscular dystrophy, type 2A. Identifiers: Orphanet 267, MedGen C1869123, MONDO:0009675, OMIM 253600. Disease mechanism: loss of function.

Submissions (2):

Labcorp Genetics (formerly Invitae), Labcorp
Classification: Uncertain significance for Autosomal recessive limb-girdle muscular dystrophy type 2A. Last evaluated: 2023-11-27. Review status: criteria provided, single submitter. Criteria: Invitae Variant Classification Sherloc (09022015). Collection method: clinical testing. Allele origin: germline.
Comment: This sequence change replaces asparagine, which is neutral and polar, with aspartic acid, which is acidic and polar, at codon 117 of the CAPN3 protein (p.Asn117Asp). This variant is not present in population databases (gnomAD no frequency). This variant has not been reported in the literature in individuals affected with CAPN3-related conditions. Advanced modeling of protein sequence and biophysical properties (such as structural, functional, and spatial information, amino acid conservation, physicochemical variation, residue mobility, and thermodynamic stability) performed at Invitae indicates that this missense variant is not expected to disrupt CAPN3 protein function with a negative predictive value of 80%. In summary, the available evidence is currently insufficient to determine the role of this variant in disease. Therefore, it has been classified as a Variant of Uncertain Significance.

Revvity Omics, Revvity
Classification: Uncertain significance. Last evaluated: 2023-08-03. Review status: criteria provided, single submitter. Criteria: ACMG Guidelines, 2015. Collection method: clinical testing. Allele origin: germline.